The following is an entry in ClinVar:

ClinVar aggregate classification (germline): Conflicting classifications of pathogenicity. Review status: criteria provided, conflicting classifications (1 of 4 stars). 2 submissions from 2 submitters: Uncertain significance (1); Likely benign (1). Last evaluated 2024-11-10.

Conditions:
Emery-Dreifuss muscular dystrophy 4, autosomal dominant (EDMD4). Also called: EMERY-DREIFUSS MUSCULAR DYSTROPHY 4 WITH VARIABLE FEATURES. Identifiers: Orphanet 261, MedGen C2751807, MONDO:0013071, OMIM 612998.
Autosomal recessive ataxia, Beauce type. Also called: Spinocerebellar ataxia, autosomal recessive 8; ATAXIA, RECESSIVE, OF BEAUCE; SYNE1-Related Autosomal Recessive Cerebellar Ataxia; SYNE1 Deficiency. Identifiers: Orphanet 88644, MedGen C1853116, MONDO:0012549, OMIM 610743.

Allele frequency attached by ClinVar (database versions not stated): gnomAD 0.00001 and 0.00003; TOPMed 0.00002; gnomAD exomes 0.00004 and 0.00011; ExAC 0.00012; 1000 Genomes Project 30x 0.00047.
gnomAD v4.1: 64 of 1,614,152 alleles (0.004%); highest among the groups gnomAD compares: South Asian, 0.051%; 1 homozygote.

Submissions (2):

Labcorp Genetics (formerly Invitae), Labcorp
Classification: Uncertain significance for Emery-Dreifuss muscular dystrophy 4, autosomal dominant; Autosomal recessive ataxia, Beauce type. Last evaluated: 2024-11-10. Review status: criteria provided, single submitter. Criteria: Invitae Variant Classification Sherloc (09022015). Collection method: clinical testing. Allele origin: germline.
Comment: This sequence change replaces threonine, which is neutral and polar, with methionine, which is neutral and non-polar, at codon 1226 of the SYNE1 protein (p.Thr1226Met). This variant is present in population databases (rs767097288, gnomAD 0.07%). This variant has not been reported in the literature in individuals affected with SYNE1-related conditions. ClinVar contains an entry for this variant (Variation ID: 840025). An algorithm developed to predict the effect of missense changes on protein structure and function (PolyPhen-2) suggests that this variant is likely to be disruptive. In summary, the available evidence is currently insufficient to determine the role of this variant in disease. Therefore, it has been classified as a Variant of Uncertain Significance.

Dubai Health Genomic Medicine Center, Dubai Health
Classification: Likely benign. Last evaluated: 2020-03-19. Review status: criteria provided, single submitter. Criteria: ACMG Guidelines, 2015. Collection method: clinical testing. Allele origin: germline. Affected: yes.

NM_182961.4(SYNE1):c.3656C>T (p.Thr1219Met)

Gene: SYNE1 (spectrin repeat containing nuclear envelope protein 1; minus strand). Cytogenetic location: 6q25.2.
Variant type: single nucleotide variant.
Coding change: c.3656C>T on transcript NM_182961.4 (MANE Select); coding-DNA position 3656, C replaced by T.
Protein change: p.Thr1219Met; replaces threonine 1219 with methionine.
Molecular consequence: missense variant.
Genome position (GRCh38, 1-based): chr6:152,447,471, G>A on the plus strand (C>T on the coding strand, the complement: SYNE1 is on the minus strand). VCF-style: chr6-152447471-G-A. GRCh37 (hg19) VCF-style: chr6-152768606-G-A.
Other names: c.3677C>T, p.Thr1226Met (NM_033071.5); short protein forms T1226M, T1219M.
Identifiers: ClinVar variation 840025 (VCV000840025.12), dbSNP rs767097288, ClinGen allele CA4058790.